The following is an entry in ClinVar:

ClinVar aggregate classification (germline): Uncertain significance (1 of 4 stars; one submission).

Conditions:
GABRE-related disorder. Also called: GABRE-related condition.

Allele frequency attached by ClinVar (database versions not stated): gnomAD exomes 0.00001.
gnomAD v4.1: 12 of 1,210,936 alleles (0.00099%); highest among the groups gnomAD compares: South Asian, 0.0018%; no homozygotes.

Submission:

PreventionGenetics, part of Exact Sciences
Classification: Uncertain significance for GABRE-related condition. Last evaluated: 2023-05-26. Review status: criteria provided, single submitter. Criteria: ACMG Guidelines, 2015. Collection method: clinical testing. Allele origin: germline.
Comment: The GABRE c.439G>A variant is predicted to result in the amino acid substitution p.Val147Met. To our knowledge, this variant has not been reported in the literature or in a large population database, indicating this variant is rare. At this time, the clinical significance of this variant is uncertain due to the absence of conclusive functional and genetic evidence.

NM_004961.4(GABRE):c.439G>A (p.Val147Met)

Gene: GABRE (gamma-aminobutyric acid type A receptor subunit epsilon; minus strand). Cytogenetic location: Xq28.
Variant type: single nucleotide variant.
Coding change: c.439G>A on transcript NM_004961.4 (MANE Select); coding-DNA position 439, G replaced by A.
Protein change: p.Val147Met; replaces valine 147 with methionine.
Molecular consequence: missense variant.
Genome position (GRCh38, 1-based): chrX:151,962,547, C>T on the plus strand (G>A on the coding strand, the complement: GABRE is on the minus strand). VCF-style: chrX-151962547-C-T. GRCh37 (hg19) VCF-style: chrX-151131019-C-T.
Other names: short protein forms V147M.
Identifiers: ClinVar variation 2629441 (VCV002629441.1), dbSNP rs2521234473, ClinGen allele CA415059208.